The following is an entry in ClinVar:

NM_016239.4(MYO15A):c.9876G>T (p.Trp3292Cys)

Gene: MYO15A (myosin XVA; plus strand). Cytogenetic location: 17p11.2.
Variant type: single nucleotide variant.
Coding change: c.9876G>T on transcript NM_016239.4 (MANE Select); coding-DNA position 9876, G replaced by T.
Protein change: p.Trp3292Cys; replaces tryptophan 3292 with cysteine.
Molecular consequence: missense variant.
Genome position (GRCh38, 1-based): chr17:18,166,449, G>T. VCF-style: chr17-18166449-G-T. GRCh37 (hg19) VCF-style: chr17-18069763-G-T.
Other names: short protein forms W3292C.
Identifiers: ClinVar variation 2419113 (VCV002419113.3), dbSNP rs779093807, ClinGen allele CA8425717.

ClinVar aggregate classification (germline): Uncertain significance (1 of 4 stars; one submission).

Allele frequency attached by ClinVar (database versions not stated): ExAC 0.00001.
gnomAD v4.1: 5 of 1,613,946 alleles (0.00031%); highest among the groups gnomAD compares: Non-Finnish European, 0.00042%; no homozygotes.

Submission:

Labcorp Genetics (formerly Invitae), Labcorp
Classification: Uncertain significance. Last evaluated: 2022-07-12. Review status: criteria provided, single submitter. Criteria: Invitae Variant Classification Sherloc (09022015). Collection method: clinical testing. Allele origin: germline.
Comment: This sequence change replaces tryptophan, which is neutral and slightly polar, with cysteine, which is neutral and slightly polar, at codon 3292 of the MYO15A protein (p.Trp3292Cys). This variant is present in population databases (rs779093807, gnomAD 0.003%). This missense change has been observed in individual(s) with deafness (PMID: 31379920). Algorithms developed to predict the effect of missense changes on protein structure and function are either unavailable or do not agree on the potential impact of this missense change (SIFT: "Deleterious"; PolyPhen-2: "Not Available"; Align-GVGD: "Class C65"). In summary, the available evidence is currently insufficient to determine the role of this variant in disease. Therefore, it has been classified as a Variant of Uncertain Significance.

Literature cited by the submitters: PubMed 31379920.